The following is an entry in ClinVar:

ClinVar aggregate classification (germline): Uncertain significance (1 of 4 stars; one submission).

Conditions:
Familial cold autoinflammatory syndrome 3 (FCAS3). Also called: ANTIBODY DEFICIENCY AND IMMUNE DYSREGULATION, PLCG2-ASSOCIATED; FAMILIAL ATYPICAL COLD URTICARIA. Identifiers: Orphanet 300359, MedGen C3280914, MONDO:0013766, OMIM 614468.

Submission:

Labcorp Genetics (formerly Invitae), Labcorp
Classification: Uncertain significance for Familial cold autoinflammatory syndrome 3. Last evaluated: 2024-06-26. Review status: criteria provided, single submitter. Criteria: Invitae Variant Classification Sherloc (09022015). Collection method: clinical testing. Allele origin: germline.
Comment: This sequence change replaces glutamic acid, which is acidic and polar, with glutamine, which is neutral and polar, at codon 62 of the PLCG2 protein (p.Glu62Gln). This variant is not present in population databases (gnomAD no frequency). This variant has not been reported in the literature in individuals affected with PLCG2-related conditions. An algorithm developed to predict the effect of missense changes on protein structure and function (PolyPhen-2) suggests that this variant is likely to be disruptive. In summary, the available evidence is currently insufficient to determine the role of this variant in disease. Therefore, it has been classified as a Variant of Uncertain Significance.

NM_002661.5(PLCG2):c.184G>C (p.Glu62Gln)

Gene: PLCG2 (phospholipase C gamma 2; plus strand). Cytogenetic location: 16q23.3.
Variant type: single nucleotide variant.
Coding change: c.184G>C on transcript NM_002661.5 (MANE Select); coding-DNA position 184, G replaced by C.
Protein change: p.Glu62Gln; replaces glutamic acid 62 with glutamine.
Molecular consequence: missense variant.
Genome position (GRCh38, 1-based): chr16:81,786,173, G>C. VCF-style: chr16-81786173-G-C. GRCh37 (hg19) VCF-style: chr16-81819778-G-C.
Other names: c.184G>C, p.Glu62Gln (NM_001425749.1, NM_001425750.1, NM_001425751.1); short protein forms E62Q.
Identifiers: ClinVar variation 3657868 (VCV003657868.2).
Genomic context (GRCh38, chr16:81,786,173, plus strand): 5'-ACCGTCCAGGTGATCATGGAGACGCGGCAGGTGGCCTGGAGCAAGACCGCTGACAAGATC[G>C]AGGGCTTCTGTGAGTACTCGCTGGGTGGGGCAGTGTGGCCCGTCCTCTGGGGCCCTGGCC-3'
Protein context (NP_002652.2, residues 52-72): VAWSKTADKI[Glu62Gln]GFLDIMEIKE